The following is an entry in ClinVar:

NM_000489.6(ATRX):c.448A>G (p.Ser150Gly)

Gene: ATRX (ATRX chromatin remodeler; minus strand). Cytogenetic location: Xq21.1.
Variant type: single nucleotide variant.
Coding change: c.448A>G on transcript NM_000489.6 (MANE Select); coding-DNA position 448, A replaced by G.
Protein change: p.Ser150Gly; replaces serine 150 with glycine.
Molecular consequence: missense variant. On other transcripts: intron variant (1).
Genome position (GRCh38, 1-based): chrX:77,693,860, T>C on the plus strand (A>G on the coding strand, the complement: ATRX is on the minus strand). VCF-style: chrX-77693860-T-C. GRCh37 (hg19) VCF-style: chrX-76949349-T-C.
Other names: c.370+2717A>G (NM_138270.5); short protein forms S150G.
Identifiers: ClinVar variation 843231 (VCV000843231.10), dbSNP rs2072040574, ClinGen allele CA413722927.

ClinVar aggregate classification (germline): Uncertain significance (1 of 4 stars; one submission).

Conditions:
Alpha thalassemia-X-linked intellectual disability syndrome (ATRX). Also called: ATR-X syndrome; Alpha thalassemia mental retardation syndrome, nondeletion type, X-linked; XLMR hypotonic face syndrome; ALPHA-THALASSEMIA/IMPAIRED INTELLECTUAL DEVELOPMENT SYNDROME, X-LINKED; ALPHA-THALASSEMIA/MENTAL RETARDATION SYNDROME, X-LINKED; ATR, NONDELETION TYPE. Identifiers: Orphanet 847, MedGen C1845055, MONDO:0010519, OMIM 301040.

Submission:

Labcorp Genetics (formerly Invitae), Labcorp
Classification: Uncertain significance for Alpha thalassemia-X-linked intellectual disability syndrome. Last evaluated: 2019-12-03. Review status: criteria provided, single submitter. Criteria: Invitae Variant Classification Sherloc (09022015). Collection method: clinical testing. Allele origin: germline.
Comment: In summary, the available evidence is currently insufficient to determine the role of this variant in disease. Therefore, it has been classified as a Variant of Uncertain Significance. Algorithms developed to predict the effect of sequence changes on RNA splicing suggest that this variant may create or strengthen a splice site, but this prediction has not been confirmed by published transcriptional studies. Algorithms developed to predict the effect of missense changes on protein structure and function are either unavailable or do not agree on the potential impact of this missense change (SIFT: "Deleterious"; PolyPhen-2: "Probably Damaging"; Align-GVGD: "Class C0"). This variant has not been reported in the literature in individuals with ATRX-related conditions. This variant is not present in population databases (ExAC no frequency). This sequence change replaces serine with glycine at codon 150 of the ATRX protein (p.Ser150Gly). The serine residue is moderately conserved and there is a small physicochemical difference between serine and glycine.